The following is an entry in ClinVar:

NM_000245.4(MET):c.3567C>A (p.Ala1189=)

Gene: MET (MET proto-oncogene, receptor tyrosine kinase; plus strand). Cytogenetic location: 7q31.2.
Variant type: single nucleotide variant.
Coding change: c.3567C>A on transcript NM_000245.4 (MANE Select); coding-DNA position 3567, C replaced by A.
Protein change: p.Ala1189=; no amino-acid change (alanine 1189 retained).
Molecular consequence: synonymous variant.
Genome position (GRCh38, 1-based): chr7:116,782,032, C>A. VCF-style: chr7-116782032-C-A. GRCh37 (hg19) VCF-style: chr7-116422086-C-A.
Other names: c.3621C>A, p.Ala1207= (NM_001127500.3); c.2277C>A, p.Ala759= (NM_001324402.2).
Identifiers: ClinVar variation 1733324 (VCV001733324.3), dbSNP rs1022818610, ClinGen allele CA457219286.

ClinVar aggregate classification (germline): Benign/Likely benign. Review status: criteria provided, multiple submitters, no conflicts (2 of 4 stars). 2 submissions from 2 submitters: Benign (1); Likely benign (1). Last evaluated 2024-11-13.

Conditions:
Hereditary cancer-predisposing syndrome. Also called: Neoplastic Syndromes, Hereditary; Tumor predisposition; Hereditary Cancer Syndrome; Hereditary neoplastic syndrome. Identifiers: Orphanet 140162, MedGen C0027672, MeSH D009386, MONDO:0015356.
Papillary renal cell carcinoma type 1 (RCCP1). Also called: RENAL CELL CARCINOMA, PAPILLARY, 1, SOMATIC; Renal adenocarcinoma; Renal cell carcinoma 1; Renal cell carcinoma, somatic. Identifiers: Orphanet 47044, MedGen C1336839, OMIM 605074, HP:0011797.

Submissions (2):

Myriad Genetics, Inc.
Classification: Benign for Papillary renal cell carcinoma type 1. Last evaluated: 2024-11-13. Review status: criteria provided, single submitter. Criteria: Myriad Autosomal Dominant, Autosomal Recessive and X-Linked Classification Criteria (2023). Collection method: clinical testing. Allele origin: unknown.
Comment: This variant is considered benign. This variant is a silent/synonymous amino acid change and it is not expected to impact splicing.

Ambry Genetics
Classification: Likely benign for Hereditary cancer-predisposing syndrome. Last evaluated: 2020-08-07. Review status: criteria provided, single submitter. Criteria: Ambry Variant Classification Scheme 2023. Collection method: clinical testing. Allele origin: germline.